The following is an entry in ClinVar:

ClinVar aggregate classification (germline): Uncertain significance. Review status: criteria provided, multiple submitters, no conflicts (2 of 4 stars). 4 submissions from 4 submitters: Uncertain significance (4). Last evaluated 2025-11-24.

Conditions:
COL11A2-related disorder. Also called: COL11A2-related condition; COL11A2-related disorders.
Inborn genetic diseases. Identifiers: MedGen C0950123, MeSH D030342.

Allele frequency attached by ClinVar (database versions not stated): gnomAD exomes below 0.00001.
gnomAD v4.1: 2 of 1,612,186 alleles (0.00012%); highest among the groups gnomAD compares: Non-Finnish European, 0.00017%; no homozygotes.

Submissions (4):

Ambry Genetics
Classification: Uncertain significance for Inborn genetic diseases. Last evaluated: 2025-11-24. Review status: criteria provided, single submitter. Criteria: Ambry Variant Classification Scheme 2023. Collection method: clinical testing. Allele origin: germline.

Labcorp Genetics (formerly Invitae), Labcorp
Classification: Uncertain significance. Last evaluated: 2025-05-23. Review status: criteria provided, single submitter. Criteria: Invitae Variant Classification Sherloc (09022015). Collection method: clinical testing. Allele origin: germline.
Comment: This sequence change replaces proline, which is neutral and non-polar, with arginine, which is basic and polar, at codon 431 of the COL11A2 protein (p.Pro431Arg). This variant is present in population databases (no rsID available, gnomAD 0.0009%). This variant has not been reported in the literature in individuals affected with COL11A2-related conditions. ClinVar contains an entry for this variant (Variation ID: 1307824). Invitae Evidence Modeling of protein sequence and biophysical properties (such as structural, functional, and spatial information, amino acid conservation, physicochemical variation, residue mobility, and thermodynamic stability) indicates that this missense variant is not expected to disrupt COL11A2 protein function with a negative predictive value of 95%. In summary, the available evidence is currently insufficient to determine the role of this variant in disease. Therefore, it has been classified as a Variant of Uncertain Significance.

PreventionGenetics, part of Exact Sciences
Classification: Uncertain significance for COL11A2-related condition. Last evaluated: 2022-12-12. Review status: criteria provided, single submitter. Criteria: ACMG Guidelines, 2015. Collection method: clinical testing. Allele origin: germline.
Comment: The COL11A2 c.1292C>G variant is predicted to result in the amino acid substitution p.Pro431Arg. To our knowledge, this variant has not been reported in the literature. This variant is reported in 0.00091% of alleles in individuals of European (Non-Finnish) descent in gnomAD. At this time, the clinical significance of this variant is uncertain due to the absence of conclusive functional and genetic evidence.

GeneDx
Classification: Uncertain significance. Last evaluated: 2019-08-15. Review status: criteria provided, single submitter. Criteria: GeneDx Variant Classification Process June 2021. Collection method: clinical testing. Allele origin: germline. Affected: yes.
Comment: Not observed at a significant frequency in large population cohorts (Lek et al., 2016); In silico analysis, which includes protein predictors and evolutionary conservation, supports a deleterious effect; Has not been previously published as pathogenic or benign to our knowledge

NM_080680.3(COL11A2):c.1292C>G (p.Pro431Arg)

Gene: COL11A2 (collagen type XI alpha 2 chain; minus strand). Cytogenetic location: 6p21.32.
Variant type: single nucleotide variant.
Coding change: c.1292C>G on transcript NM_080680.3 (MANE Select); coding-DNA position 1292, C replaced by G.
Protein change: p.Pro431Arg; replaces proline 431 with arginine.
Molecular consequence: missense variant.
Genome position (GRCh38, 1-based): chr6:33,180,325, G>C on the plus strand (C>G on the coding strand, the complement: COL11A2 is on the minus strand). VCF-style: chr6-33180325-G-C. GRCh37 (hg19) VCF-style: chr6-33148102-G-C.
Other names: c.971C>G, p.Pro324Arg (NM_080679.3); c.1034C>G, p.Pro345Arg (NM_080681.3); short protein forms P324R, P345R, P431R.
Identifiers: ClinVar variation 1307824 (VCV001307824.5), dbSNP rs1437997364, ClinGen allele CA363606246.